The following is an entry in ClinVar:

NM_001371904.1(APOA5):c.666G>T (p.Ala222=)

Gene: APOA5 (apolipoprotein A5; minus strand). Cytogenetic location: 11q23.3.
Variant type: single nucleotide variant.
Coding change: c.666G>T on transcript NM_001371904.1 (MANE Select); coding-DNA position 666, G replaced by T.
Protein change: p.Ala222=; no amino-acid change (alanine 222 retained).
Molecular consequence: synonymous variant.
Genome position (GRCh38, 1-based): chr11:116,790,563, C>A on the plus strand (G>T on the coding strand, the complement: APOA5 is on the minus strand). VCF-style: chr11-116790563-C-A. GRCh37 (hg19) VCF-style: chr11-116661279-C-A.
Other names: c.666G>T, p.Ala222= (NM_001166598.2, NM_052968.5).
Identifiers: ClinVar variation 1754794 (VCV001754794.18), dbSNP rs1375536481, ClinGen allele CA477047423.

ClinVar aggregate classification (germline): Likely benign. Review status: criteria provided, multiple submitters, no conflicts (2 of 4 stars). 3 submissions from 3 submitters: Likely benign (3). Last evaluated 2025-02-01.

Conditions:
Cardiovascular phenotype. Identifiers: MedGen CN230736.

Allele frequency attached by ClinVar (database versions not stated): gnomAD 0.00001; gnomAD exomes 0.00001; TOPMed 0.00001.

Submissions (3):

CeGaT Center for Human Genetics Tuebingen
Classification: Likely benign. Last evaluated: 2025-02-01. Review status: criteria provided, single submitter. Criteria: CeGaT Center For Human Genetics Tuebingen Variant Classification Criteria Version 2. Collection method: clinical testing. Allele origin: germline. Affected: yes. Observed: 1 variant allele.
Comment: APOA5: BP4, BP7

Labcorp Genetics (formerly Invitae), Labcorp
Classification: Likely benign. Last evaluated: 2023-11-28. Review status: criteria provided, single submitter. Criteria: Invitae Variant Classification Sherloc (09022015). Collection method: clinical testing. Allele origin: germline.

Ambry Genetics
Classification: Likely benign for Cardiovascular phenotype. Last evaluated: 2019-11-11. Review status: criteria provided, single submitter. Criteria: Ambry Variant Classification Scheme 2023. Collection method: clinical testing. Allele origin: germline.